The following is an entry in ClinVar:

ClinVar aggregate classification (germline): Pathogenic (1 of 4 stars; one submission).

Conditions:
Glutathione synthetase deficiency with 5-oxoprolinuria. Also called: PYROGLUTAMIC ACIDURIA; 5-Oxoprolinuria; Gluthathione synthetase deficiency; 5-OXOPROLINURIA DUE TO GLUTATHIONE SYNTHETASE DEFICIENCY; Reduced glutathione synthetase level. Identifiers: Orphanet 289846, MedGen C0398746, MONDO:0009947, OMIM 266130, HP:0003343.

Submission:

Labcorp Genetics (formerly Invitae), Labcorp
Classification: Pathogenic for Glutathione synthetase deficiency with 5-oxoprolinuria. Last evaluated: 2023-04-22. Review status: criteria provided, single submitter. Criteria: Invitae Variant Classification Sherloc (09022015). Collection method: clinical testing. Allele origin: germline.
Comment: This variant is not present in population databases (gnomAD no frequency). This sequence change creates a premature translational stop signal (p.Asn183Profs*25) in the GSS gene. It is expected to result in an absent or disrupted protein product. Loss-of-function variants in GSS are known to be pathogenic (PMID: 12638941, 15717202). For these reasons, this variant has been classified as Pathogenic. This variant has not been reported in the literature in individuals affected with GSS-related conditions.

Literature cited by the submitters: PubMed 12638941; PubMed 15717202.

NM_000178.4(GSS):c.547_550del (p.Asn183fs)

Gene: GSS (glutathione synthetase; minus strand). Cytogenetic location: 20q11.22.
Variant type: Deletion.
Coding change: c.547_550del on transcript NM_000178.4 (MANE Select); coding-DNA positions 547 to 550, 4 bases deleted (AATC; older notation c.547_550delAATC).
Protein change: p.Asn183fs; shifts the reading frame from asparagine 183.
Molecular consequence: frameshift variant.
Genome position (GRCh38, 1-based): chr20:34,941,771-34,941,774, GATT deleted on the plus strand (AATC on the coding strand, the reverse complement: GSS is on the minus strand). VCF-style (leftmost placement, unchanged base first): chr20-34941770-GGATT-G. GRCh37 (hg19) VCF-style: chr20-33529573-GGATT-G.
Other names: c.547_550del, p.Asn183fs (NM_001322494.1, NM_001322495.1); short protein forms N183fs.
Identifiers: ClinVar variation 2858234 (VCV002858234.3), dbSNP rs2519031249, ClinGen allele CA2739277128.